The following is an entry in ClinVar:

ClinVar aggregate classification (germline): Uncertain significance. Review status: criteria provided, multiple submitters, no conflicts (2 of 4 stars). 3 submissions from 3 submitters: Uncertain significance (2). 1 of the submissions does not count toward it. Last evaluated 2024-11-18.

Conditions:
UCP3-related disorder. Also called: UCP3-related condition.

Allele frequency attached by ClinVar (database versions not stated): 1000 Genomes Project 30x 0.00016; 1000 Genomes Project 0.00020; TOPMed 0.00074; ESP Exome Variant Server 0.00131.
gnomAD v4.1: 2,588 of 1,614,098 alleles (0.16%); highest among the groups gnomAD compares: Non-Finnish European, 0.21%; 3 homozygotes.

Submissions (3):

Blueprint Genetics
Classification: Uncertain significance. Last evaluated: 2024-11-18. Review status: criteria provided, single submitter. Criteria: ACMG Guidelines, 2015. Collection method: clinical testing. Allele origin: germline.

Labcorp Genetics (formerly Invitae), Labcorp
Classification: Uncertain significance. Last evaluated: 2024-06-12. Review status: criteria provided, single submitter. Criteria: Invitae Variant Classification Sherloc (09022015). Collection method: clinical testing. Allele origin: germline.
Comment: This sequence change replaces arginine, which is basic and polar, with histidine, which is basic and polar, at codon 95 of the UCP3 protein (p.Arg95His). This variant is present in population databases (rs142952570, gnomAD 0.1%), and has an allele count higher than expected for a pathogenic variant. This variant has not been reported in the literature in individuals affected with UCP3-related conditions. ClinVar contains an entry for this variant (Variation ID: 2635702). Advanced modeling of protein sequence and biophysical properties (such as structural, functional, and spatial information, amino acid conservation, physicochemical variation, residue mobility, and thermodynamic stability) performed at Invitae indicates that this missense variant is expected to disrupt UCP3 protein function with a positive predictive value of 80%. In summary, the available evidence is currently insufficient to determine the role of this variant in disease. Therefore, it has been classified as a Variant of Uncertain Significance.

PreventionGenetics, part of Exact Sciences
Classification: Likely benign for UCP3-related condition. Last evaluated: 2023-11-01. Review status: no assertion criteria provided. Collection method: clinical testing. Allele origin: germline. Not counted in ClinVar's aggregate classification.
Comment: This variant is classified as likely benign based on ACMG/AMP sequence variant interpretation guidelines (Richards et al. 2015 PMID: 25741868, with internal and published modifications).

NM_003356.4(UCP3):c.284G>A (p.Arg95His)

Gene: UCP3 (uncoupling protein 3; minus strand). Cytogenetic location: 11q13.4.
Variant type: single nucleotide variant.
Coding change: c.284G>A on transcript NM_003356.4 (MANE Select); coding-DNA position 284, G replaced by A.
Protein change: p.Arg95His; replaces arginine 95 with histidine.
Molecular consequence: missense variant.
Genome position (GRCh38, 1-based): chr11:74,006,222, C>T on the plus strand (G>A on the coding strand, the complement: UCP3 is on the minus strand). VCF-style: chr11-74006222-C-T. GRCh37 (hg19) VCF-style: chr11-73717267-C-T.
Other names: c.284G>A, p.Arg95His (NM_022803.3); short protein forms R95H.
Identifiers: ClinVar variation 2635702 (VCV002635702.6), dbSNP rs142952570, ClinGen allele CA6181559.
Genomic context (GRCh38, chr11:74,006,222, plus strand): 5'-CACTCACTGTCCGCGCCTTTGGGGGTGTACACCTGCTTGACGGAGTCATAGAGGCCGATG[C>T]GGATGGAGGCGAAGCTCATCTGGCGCTGCAGGCCGGCCACCAGCCCATTGTAGGGGCTGC-3'
Protein context (NP_003347.1, residues 85-105): LQRQMSFASI[Arg95His]IGLYDSVKQV